The following is an entry in ClinVar:

NM_005085.4(NUP214):c.1589T>C (p.Leu530Pro)

Gene: NUP214 (nucleoporin 214; plus strand). Cytogenetic location: 9q34.13.
Variant type: single nucleotide variant.
Coding change: c.1589T>C on transcript NM_005085.4 (MANE Select); coding-DNA position 1589, T replaced by C.
Protein change: p.Leu530Pro; replaces leucine 530 with proline.
Molecular consequence: missense variant.
Genome position (GRCh38, 1-based): chr9:131,144,574, T>C. VCF-style: chr9-131144574-T-C. GRCh37 (hg19) VCF-style: chr9-134019961-T-C.
Other names: c.1589T>C, p.Leu530Pro (NM_001318324.2); short protein forms L530P.
Identifiers: ClinVar variation 2580727 (VCV002580727.3), dbSNP rs202116395, ClinGen allele CA5289049.

ClinVar aggregate classification (germline): Uncertain significance. Review status: criteria provided, multiple submitters, no conflicts (2 of 4 stars). 2 submissions from 2 submitters: Uncertain significance (2). Last evaluated 2024-06-22.

Allele frequency attached by ClinVar (database versions not stated): gnomAD exomes 0.00004; ExAC 0.00006; ESP Exome Variant Server 0.00023; gnomAD 0.00023; TOPMed 0.00028.
gnomAD v4.1: 90 of 1,613,926 alleles (0.0056%); highest among the groups gnomAD compares: African/African-American, 0.093%; no homozygotes.

Submissions (2):

Ambry Genetics
Classification: Uncertain significance. Last evaluated: 2024-06-22. Review status: criteria provided, single submitter. Criteria: Ambry Variant Classification Scheme 2023. Collection method: clinical testing. Allele origin: germline.

GeneDx
Classification: Uncertain significance. Last evaluated: 2023-03-24. Review status: criteria provided, single submitter. Criteria: GeneDx Variant Classification Process June 2021. Collection method: clinical testing. Allele origin: germline. Affected: yes.
Comment: In silico analysis supports that this missense variant does not alter protein structure/function; Has not been previously published as pathogenic or benign to our knowledge